The following is an entry in ClinVar:

ClinVar aggregate classification (germline): Pathogenic (1 of 4 stars; one submission).

Conditions:
Immunodeficiency 67. Also called: Immunodeficiency due to interleukin-1 receptor-associated kinase-4 deficiency. Identifiers: Orphanet 70592, MedGen C1843256, MONDO:0011888, OMIM 607676.

Submission:

Labcorp Genetics (formerly Invitae), Labcorp
Classification: Pathogenic for Immunodeficiency 67. Last evaluated: 2024-08-13. Review status: criteria provided, single submitter. Criteria: Invitae Variant Classification Sherloc (09022015). Collection method: clinical testing. Allele origin: germline.
Comment: This sequence change creates a premature translational stop signal (p.Val210Glyfs*10) in the IRAK4 gene. It is expected to result in an absent or disrupted protein product. Loss-of-function variants in IRAK4 are known to be pathogenic (PMID: 17893200, 21057262). This variant is not present in population databases (gnomAD no frequency). This variant has not been reported in the literature in individuals affected with IRAK4-related conditions. For these reasons, this variant has been classified as Pathogenic.

Literature cited by the submitters: PubMed 17893200; PubMed 21057262.

NM_016123.4(IRAK4):c.629_630del (p.Val210fs)

Gene: IRAK4 (interleukin 1 receptor associated kinase 4; plus strand). Cytogenetic location: 12q12.
Variant type: Microsatellite.
Coding change: c.629_630del on transcript NM_016123.4 (MANE Select); coding-DNA positions 629 to 630, 2 bases deleted (TG; older notation c.629_630delTG).
Protein change: p.Val210fs; shifts the reading frame from valine 210.
Molecular consequence: frameshift variant. On other transcripts: intron variant (2).
Genome position (GRCh38, 1-based): chr12:43,773,050-43,773,051, TG deleted; deleting any 2 consecutive bases within chr12:43,773,048-43,773,051 gives the same sequence; the c. name uses the placement nearest the transcript's 3' end. VCF-style (leftmost placement, unchanged base first): chr12-43773047-CTG-C. GRCh37 (hg19) VCF-style: chr12-44166850-CTG-C.
Other names: c.629_630del, p.Val210fs (NM_001114182.3, NM_001351345.2); c.257_258del, p.Val86fs (NM_001145256.2, NM_001145257.2, NM_001145258.2 and 5 more transcripts); c.42+64_42+65del (NM_001351343.2, NM_001351344.2); short protein forms V86fs, V210fs.
Identifiers: ClinVar variation 2818504 (VCV002818504.3), dbSNP rs2540436653, ClinGen allele CA2739271970.